The following is an entry in ClinVar:

NM_005186.4(CAPN1):c.532G>T (p.Val178Leu)

Gene: CAPN1 (calpain 1; plus strand). Cytogenetic location: 11q13.1.
Variant type: single nucleotide variant.
Coding change: c.532G>T on transcript NM_005186.4 (MANE Select); coding-DNA position 532, G replaced by T.
Protein change: p.Val178Leu; replaces valine 178 with leucine.
Molecular consequence: missense variant. On other transcripts: non-coding transcript variant (1).
Genome position (GRCh38, 1-based): chr11:65,185,992, G>T. VCF-style: chr11-65185992-G-T. GRCh37 (hg19) VCF-style: chr11-64953463-G-T.
Other names: c.532G>T, p.Val178Leu (NM_001198868.2, NM_001198869.2); c.370G>T, p.Val124Leu (NM_001198870.1); short protein forms V124L, V178L.
Identifiers: ClinVar variation 2418190 (VCV002418190.6), dbSNP rs372952178, ClinGen allele CA6093116.

ClinVar aggregate classification (germline): Uncertain significance. Review status: criteria provided, multiple submitters, no conflicts (2 of 4 stars). 2 submissions from 2 submitters: Uncertain significance (2). Last evaluated 2025-08-10.

Allele frequency attached by ClinVar (database versions not stated): ESP Exome Variant Server 0.00008; ExAC 0.00010; 1000 Genomes Project 0.00020; 1000 Genomes Project 30x 0.00031.
gnomAD v4.1: 96 of 1,607,390 alleles (0.006%); highest among the groups gnomAD compares: Middle Eastern, 0.12%; no homozygotes.

Submissions (2):

Labcorp Genetics (formerly Invitae), Labcorp
Classification: Uncertain significance. Last evaluated: 2025-08-10. Review status: criteria provided, single submitter. Criteria: Invitae Variant Classification Sherloc (09022015). Collection method: clinical testing. Allele origin: germline.
Comment: This sequence change replaces valine, which is neutral and non-polar, with leucine, which is neutral and non-polar, at codon 178 of the CAPN1 protein (p.Val178Leu). This variant is present in population databases (rs372952178, gnomAD 0.02%). This variant has not been reported in the literature in individuals affected with CAPN1-related conditions. ClinVar contains an entry for this variant (Variation ID: 2418190). Invitae Evidence Modeling of protein sequence and biophysical properties (such as structural, functional, and spatial information, amino acid conservation, physicochemical variation, residue mobility, and thermodynamic stability) indicates that this missense variant is not expected to disrupt CAPN1 protein function with a negative predictive value of 80%. In summary, the available evidence is currently insufficient to determine the role of this variant in disease. Therefore, it has been classified as a Variant of Uncertain Significance.

Blueprint Genetics
Classification: Uncertain significance. Last evaluated: 2024-10-07. Review status: criteria provided, single submitter. Criteria: ACMG Guidelines, 2015. Collection method: clinical testing. Allele origin: germline.